The following is an entry in ClinVar:

NM_012414.4(RAB3GAP2):c.173A>C (p.Gln58Pro)

Gene: RAB3GAP2 (RAB3 GTPase activating non-catalytic protein subunit 2; minus strand). Cytogenetic location: 1q41.
Variant type: single nucleotide variant.
Coding change: c.173A>C on transcript NM_012414.4 (MANE Select); coding-DNA position 173, A replaced by C.
Protein change: p.Gln58Pro; replaces glutamine 58 with proline.
Molecular consequence: missense variant.
Genome position (GRCh38, 1-based): chr1:220,232,806, T>G on the plus strand (A>C on the coding strand, the complement: RAB3GAP2 is on the minus strand). VCF-style: chr1-220232806-T-G. GRCh37 (hg19) VCF-style: chr1-220406148-T-G.
Other names: short protein forms Q58P.
Identifiers: ClinVar variation 450964 (VCV000450964.12), dbSNP rs111859466, ClinGen allele CA1403114.

ClinVar aggregate classification (germline): Conflicting classifications of pathogenicity. Review status: criteria provided, conflicting classifications (1 of 4 stars). 3 submissions from 3 submitters: Uncertain significance (1); Likely benign (2). Last evaluated 2026-09-18.

Conditions:
RAB3GAP2-related disorder. Also called: RAB3GAP2-related disorders; RAB3GAP2-related condition.
Warburg micro syndrome 2 (WARBM2). Also called: MICRO SYNDROME 2. Identifiers: Orphanet 2510, MedGen C3280214, MONDO:0013641, OMIM 614225.
Martsolf syndrome (MARTS). Also called: Congenital cataract with intellectual disability and hypogonadotropic hypogonadism syndrome. Identifiers: Orphanet 1387, MedGen C0796037, MONDO:0023910.

Allele frequency attached by ClinVar (database versions not stated): ESP Exome Variant Server 0.00046; gnomAD 0.00047 and 0.00044; TOPMed 0.00059; 1000 Genomes Project 0.00060; 1000 Genomes Project 30x 0.00062; ExAC 0.00019.
gnomAD v4.1: 152 of 1,613,172 alleles (0.0094%); highest among the groups gnomAD compares: African/African-American, 0.17%; no homozygotes.

Submissions (3):

PreventionGenetics, part of Exact Sciences
Classification: Likely benign for RAB3GAP2-related condition. Last evaluated: 2026-09-18. Review status: criteria provided, single submitter. Criteria: ACMG Guidelines, 2015. Collection method: clinical testing. Allele origin: germline.
Comment: This variant is classified as likely benign based on ACMG/AMP sequence variant interpretation guidelines (Richards et al. 2015 PMID: 25741868, with internal and published modifications).

Labcorp Genetics (formerly Invitae), Labcorp
Classification: Likely benign for Martsolf syndrome; Warburg micro syndrome 2. Last evaluated: 2025-12-16. Review status: criteria provided, single submitter. Criteria: Invitae Variant Classification Sherloc (09022015). Collection method: clinical testing. Allele origin: germline.

GeneDx
Classification: Uncertain significance. Last evaluated: 2019-04-26. Review status: criteria provided, single submitter. Criteria: GeneDx Variant Classification Process June 2021. Collection method: clinical testing. Allele origin: germline. Affected: yes.
Comment: In silico analysis, which includes protein predictors and evolutionary conservation, supports that this variant does not alter protein structure/function; Has not been previously published as pathogenic or benign to our knowledge